The following is an entry in ClinVar:

ClinVar aggregate classification (germline): Conflicting classifications of pathogenicity. Review status: criteria provided, conflicting classifications (1 of 4 stars). 4 submissions from 4 submitters: Uncertain significance (3); Likely benign (1). Last evaluated 2024-11-21.

Conditions:
Arrhythmogenic cardiomyopathy with wooly hair and keratoderma. Also called: PALMOPLANTAR KERATODERMA WITH LEFT VENTRICULAR CARDIOMYOPATHY AND WOOLLY HAIR; Carvajal syndrome; Dilated cardiomyopathy with woolly hair and keratoderma; Arrhythmogenic cardiomyopathy with woolly hair and keratoderma. Identifiers: Orphanet 65282, MedGen C1854063, MONDO:0011581, OMIM 605676.
Arrhythmogenic right ventricular dysplasia 8 (ARVD8). Also called: ARRHYTHMOGENIC RIGHT VENTRICULAR DYSPLASIA, FAMILIAL, 8; Arrhythmogenic Right Ventricular Dysplasia/Cardiomyopathy 8; ARRHYTHMOGENIC RIGHT VENTRICULAR CARDIOMYOPATHY 8. Identifiers: MedGen C1843896, MONDO:0011831, OMIM 607450.
Cardiomyopathy (CMYO). Also called: Cardiomyopathies. Identifiers: Orphanet 167848, MedGen C0878544, MONDO:0004994, HP:0001638. Inheritance: Various modes of inheritance.
Cardiovascular phenotype. Identifiers: MedGen CN230736.

Allele frequency attached by ClinVar (database versions not stated): TOPMed 0.00002.
gnomAD v4.1: 5 of 1,613,808 alleles (0.00031%); highest among the groups gnomAD compares: Admixed American, 0.0017%; no homozygotes.

Submissions (4):

Labcorp Genetics (formerly Invitae), Labcorp
Classification: Likely benign for Arrhythmogenic cardiomyopathy with wooly hair and keratoderma; Arrhythmogenic right ventricular dysplasia 8. Last evaluated: 2024-11-21. Review status: criteria provided, single submitter. Criteria: Invitae Variant Classification Sherloc (09022015). Collection method: clinical testing. Allele origin: germline.

All of Us Research Program, National Institutes of Health
Classification: Uncertain significance for Arrhythmogenic cardiomyopathy with wooly hair and keratoderma. Last evaluated: 2024-09-23. Review status: criteria provided, single submitter. Criteria: ACMG Guidelines, 2015. Collection method: clinical testing. Allele origin: germline. Inheritance: Autosomal dominant inheritance. Observed: 3 variant alleles, 3 heterozygotes.
Comment: This missense variant replaces arginine with glycine at codon 1340 of the DSP protein. Computational prediction suggests that this variant may not impact protein structure and function (internally defined REVEL score threshold <= 0.5, PMID: 27666373). To our knowledge, functional studies have not been reported for this variant. This variant has not been reported in individuals affected with cardiovascular disorders in the literature. This variant has been identified in 1/250620 chromosomes in the general population by the Genome Aggregation Database (gnomAD). The available evidence is insufficient to determine the role of this variant in disease conclusively. Therefore, this variant is classified as a Variant of Uncertain Significance.

This study involves interpretation of variants in research participants for the purpose of population health screening. Participant phenotype was not available at the time of variant classification. Additional details can be found in publication PMID: 35346344, PMCID: PMC8962531

Color Diagnostics, LLC DBA Color Health
Classification: Uncertain significance for Cardiomyopathy. Last evaluated: 2024-09-23. Review status: criteria provided, single submitter. Criteria: ACMG Guidelines, 2015. Collection method: clinical testing. Allele origin: germline.
Comment: This missense variant replaces arginine with glycine at codon 1340 of the DSP protein. Computational prediction suggests that this variant may not impact protein structure and function. To our knowledge, functional studies have not been reported for this variant. This variant has not been reported in individuals affected with cardiovascular disorders in the literature. This variant has been identified in 1/250620 chromosomes in the general population by the Genome Aggregation Database (gnomAD). The available evidence is insufficient to determine the role of this variant in disease conclusively. Therefore, this variant is classified as a Variant of Uncertain Significance.

Ambry Genetics
Classification: Uncertain significance for Cardiovascular phenotype. Last evaluated: 2022-10-21. Review status: criteria provided, single submitter. Criteria: Ambry Variant Classification Scheme 2023. Collection method: clinical testing. Allele origin: germline.
Comment: The p.R1340G variant (also known as c.4018C>G), located in coding exon 23 of the DSP gene, results from a C to G substitution at nucleotide position 4018. The arginine at codon 1340 is replaced by glycine, an amino acid with dissimilar properties. This amino acid position is not well conserved in available vertebrate species. In addition, the in silico prediction for this alteration is inconclusive. Since supporting evidence is limited at this time, the clinical significance of this alteration remains unclear.

NM_004415.4(DSP):c.4018C>G (p.Arg1340Gly)

Gene: DSP (desmoplakin; plus strand). Cytogenetic location: 6p24.3.
Variant type: single nucleotide variant.
Coding change: c.4018C>G on transcript NM_004415.4 (MANE Select); coding-DNA position 4018, C replaced by G.
Protein change: p.Arg1340Gly; replaces arginine 1340 with glycine.
Molecular consequence: missense variant. On other transcripts: intron variant (1).
Genome position (GRCh38, 1-based): chr6:7,580,208, C>G. VCF-style: chr6-7580208-C-G. GRCh37 (hg19) VCF-style: chr6-7580441-C-G.
Other names: c.4018C>G, p.Arg1340Gly (NM_001319034.2); c.3582+436C>G (NM_001008844.3); short protein forms R1340G.
Identifiers: ClinVar variation 927701 (VCV000927701.15), dbSNP rs768628788, ClinGen allele CA039829.
Genomic context (GRCh38, chr6:7,580,208, plus strand): 5'-ATTCAGGACAAAAATAAGGAGATCGAGAGACTCAAAGCTGAGTTTCAGGAGGAGGCCAAG[C>G]GCCGCTGGGAATATGAAAATGAACTGAGTAAGGTAAGAAACAATTATGATGAGGAGATCA-3'
Protein context (NP_004406.2, residues 1330-1350): LKAEFQEEAK[Arg1340Gly]RWEYENELSK